The following is an entry in ClinVar:

NM_005612.5(REST):c.1900A>G (p.Met634Val)

Gene: REST (RE1 silencing transcription factor; plus strand). Cytogenetic location: 4q12.
Variant type: single nucleotide variant.
Coding change: c.1900A>G on transcript NM_005612.5 (MANE Select); coding-DNA position 1900, A replaced by G.
Protein change: p.Met634Val; replaces methionine 634 with valine.
Molecular consequence: missense variant.
Genome position (GRCh38, 1-based): chr4:56,930,758, A>G. VCF-style: chr4-56930758-A-G. GRCh37 (hg19) VCF-style: chr4-57796924-A-G.
Other names: c.1900A>G, p.Met634Val (NM_001193508.2, NM_001363453.3); short protein forms M634V.
Identifiers: ClinVar variation 1017358 (VCV001017358.11), dbSNP rs1382836181, ClinGen allele CA357007654.
Genomic context (GRCh38, chr4:56,930,758, plus strand): 5'-GGGCCTGCTCCCACAGAGGCGGTTCAGAAGGGGCCCGTTCAGGTGGAGCCGCCACCTCCC[A>G]TGGAGCATGCTCAGATGGAGGGTGCCCAGATACGGCCTGCTCCTGACGAGCCTGTTCAGA-3'
Protein context (NP_005603.3, residues 624-644): GPVQVEPPPP[Met634Val]EHAQMEGAQI

ClinVar aggregate classification (germline): Uncertain significance. Review status: criteria provided, multiple submitters, no conflicts (2 of 4 stars). 3 submissions from 3 submitters: Uncertain significance (3). Last evaluated 2025-09-05.

Conditions:
Inborn genetic diseases. Identifiers: MedGen C0950123, MeSH D030342.

Allele frequency attached by ClinVar (database versions not stated): gnomAD exomes below 0.00001 and 0.00001; gnomAD 0.00003 and 0.00004; TOPMed 0.00005.
gnomAD v4.1: 8 of 1,603,868 alleles (0.0005%); highest among the groups gnomAD compares: African/African-American, 0.0094%; no homozygotes.

Submissions (3):

Ambry Genetics
Classification: Uncertain significance for Inborn genetic diseases. Last evaluated: 2025-09-05. Review status: criteria provided, single submitter. Criteria: Ambry Variant Classification Scheme 2023. Collection method: clinical testing. Allele origin: germline.

Labcorp Genetics (formerly Invitae), Labcorp
Classification: Uncertain significance. Last evaluated: 2024-03-03. Review status: criteria provided, single submitter. Criteria: Invitae Variant Classification Sherloc (09022015). Collection method: clinical testing. Allele origin: germline.
Comment: This sequence change replaces methionine, which is neutral and non-polar, with valine, which is neutral and non-polar, at codon 634 of the REST protein (p.Met634Val). This variant is present in population databases (no rsID available, gnomAD 0.004%). This variant has not been reported in the literature in individuals affected with REST-related conditions. ClinVar contains an entry for this variant (Variation ID: 1017358). Algorithms developed to predict the effect of missense changes on protein structure and function output the following: SIFT: "Not Available"; PolyPhen-2: "Benign"; Align-GVGD: "Not Available". The valine amino acid residue is found in multiple mammalian species, which suggests that this missense change does not adversely affect protein function. In summary, the available evidence is currently insufficient to determine the role of this variant in disease. Therefore, it has been classified as a Variant of Uncertain Significance.

GeneDx
Classification: Uncertain significance. Last evaluated: 2022-03-09. Review status: criteria provided, single submitter. Criteria: GeneDx Variant Classification Process June 2021. Collection method: clinical testing. Allele origin: germline. Affected: yes.
Comment: Variants in candidate genes are classified as variants of uncertain significance in accordance with ACMG guidelines (Richards 2015); In silico analysis supports that this missense variant does not alter protein structure/function; Has not been previously published as pathogenic or benign to our knowledge